The following is an entry in ClinVar:

ClinVar aggregate classification (germline): Likely benign (0 of 4 stars; one submission).

Conditions:
FAT4-related disorder. Also called: FAT4-related condition.

Allele frequency attached by ClinVar (database versions not stated): gnomAD exomes below 0.00001; TOPMed below 0.00001; ExAC 0.00001; gnomAD 0.00001.
gnomAD v4.1: 2 of 1,614,038 alleles (0.00012%); highest among the groups gnomAD compares: South Asian, 0.0022%; no homozygotes.

Submission:

PreventionGenetics, part of Exact Sciences
Classification: Likely benign for FAT4-related condition. Last evaluated: 2021-06-07. Review status: no assertion criteria provided. Collection method: clinical testing. Allele origin: germline.
Comment: This variant is classified as likely benign based on ACMG/AMP sequence variant interpretation guidelines (Richards et al. 2015 PMID: 25741868, with internal and published modifications).

NM_001291303.3(FAT4):c.11022A>G (p.Pro3674=)

Gene: FAT4 (FAT atypical cadherin 4; plus strand). Cytogenetic location: 4q28.1.
Variant type: single nucleotide variant.
Coding change: c.11022A>G on transcript NM_001291303.3 (MANE Select); coding-DNA position 11022, A replaced by G.
Protein change: p.Pro3674=; no amino-acid change (proline 3674 retained).
Molecular consequence: synonymous variant.
Genome position (GRCh38, 1-based): chr4:125,452,032, A>G. VCF-style: chr4-125452032-A-G. GRCh37 (hg19) VCF-style: chr4-126373187-A-G.
Other names: c.11022A>G, p.Pro3674= (NM_001291285.3); c.11016A>G, p.Pro3672= (NM_024582.6).
Identifiers: ClinVar variation 3029716 (VCV003029716.2), dbSNP rs771392259, ClinGen allele CA3073772.
Genomic context (GRCh38, chr4:125,452,032, plus strand): 5'-TTCAGGAGTTACCAGCCTCTTCAGTATTCCAGGGGGTACTTGTGATCTGAATTCCCAGCC[A>G]AGGTCCACAGATGGCACGTTTGATCTGACTGTCCTTAGCAATGATGGAGTTCACAGCACA-3'
Protein context (NP_001278232.1, residues 3664-3684): PGGTCDLNSQ[Pro3674=]RSTDGTFDLT